The following is an entry in ClinVar:

NM_004186.5(SEMA3F):c.904-4C>G

Gene: SEMA3F (semaphorin 3F; plus strand). Cytogenetic location: 3p21.31.
Variant type: single nucleotide variant.
Coding change: c.904-4C>G on transcript NM_004186.5 (MANE Select); 4 bases into the intron before coding-DNA position 904, C replaced by G.
Molecular consequence: intron variant.
Genome position (GRCh38, 1-based): chr3:50,182,900, C>G. VCF-style: chr3-50182900-C-G. GRCh37 (hg19) VCF-style: chr3-50220333-C-G.
Other names: c.607-4C>G (NM_001318798.2); c.811-4C>G (NM_001318800.2).
Identifiers: ClinVar variation 3036766 (VCV003036766.2), dbSNP rs377522570, ClinGen allele CA2411962.

ClinVar aggregate classification (germline): Likely benign (0 of 4 stars; one submission).

Conditions:
SEMA3F-related disorder. Also called: SEMA3F-related condition.

Allele frequency attached by ClinVar (database versions not stated): ExAC 0.00008; 1000 Genomes Project 0.00020; ESP Exome Variant Server 0.00031; TOPMed 0.00032; gnomAD 0.00033; 1000 Genomes Project 30x 0.00047.
gnomAD v4.1: 135 of 1,613,740 alleles (0.0084%); highest among the groups gnomAD compares: African/African-American, 0.093%; no homozygotes.

Submission:

PreventionGenetics, part of Exact Sciences
Classification: Likely benign for SEMA3F-related condition. Last evaluated: 2021-06-17. Review status: no assertion criteria provided. Collection method: clinical testing. Allele origin: germline.
Comment: This variant is classified as likely benign based on ACMG/AMP sequence variant interpretation guidelines (Richards et al. 2015 PMID: 25741868, with internal and published modifications).